The following is an entry in ClinVar:

NM_144631.6(ZNF513):c.1466G>C (p.Arg489Pro)

Genes: ZNF513 (zinc finger protein 513; minus strand), LOC129933376 (ATAC-STARR-seq lymphoblastoid active region 15506; plus strand). Cytogenetic location: 2p23.3.
Variant type: single nucleotide variant.
Coding change: c.1466G>C on transcript NM_144631.6 (MANE Select); coding-DNA position 1466, G replaced by C.
Protein change: p.Arg489Pro; replaces arginine 489 with proline.
Molecular consequence: missense variant.
Genome position (GRCh38, 1-based): chr2:27,377,705, C>G on the plus strand (G>C on the coding strand, the complement: ZNF513 is on the minus strand). VCF-style: chr2-27377705-C-G. GRCh37 (hg19) VCF-style: chr2-27600572-C-G.
Other names: c.1280G>C, p.Arg427Pro (NM_001201459.2); short protein forms R489P, R427P.
Identifiers: ClinVar variation 1042131 (VCV001042131.9), dbSNP rs1683398732, ClinGen allele CA346214365.

ClinVar aggregate classification (germline): Uncertain significance (1 of 4 stars; one submission).

gnomAD v4.1: 1 of 1,614,214 alleles (0.000062%); highest among the groups gnomAD compares: Non-Finnish European, 0.000085%; no homozygotes.

Submission:

Labcorp Genetics (formerly Invitae), Labcorp
Classification: Uncertain significance. Last evaluated: 2020-03-20. Review status: criteria provided, single submitter. Criteria: Invitae Variant Classification Sherloc (09022015). Collection method: clinical testing. Allele origin: germline.
Comment: This sequence change replaces arginine with proline at codon 489 of the ZNF513 protein (p.Arg489Pro). The arginine residue is highly conserved and there is a moderate physicochemical difference between arginine and proline. This variant is not present in population databases (ExAC no frequency). This variant has not been reported in the literature in individuals with ZNF513-related conditions. Algorithms developed to predict the effect of missense changes on protein structure and function are either unavailable or do not agree on the potential impact of this missense change (SIFT: "Deleterious"; PolyPhen-2: "Possibly Damaging"; Align-GVGD: "Class C0"). In summary, the available evidence is currently insufficient to determine the role of this variant in disease. Therefore, it has been classified as a Variant of Uncertain Significance.